The following is an entry in ClinVar:

NM_001042681.2(RERE):c.596A>G (p.Gln199Arg)

Gene: RERE (arginine-glutamic acid dipeptide repeats; minus strand). Cytogenetic location: 1p36.23.
Variant type: single nucleotide variant.
Coding change: c.596A>G on transcript NM_001042681.2 (MANE Select); coding-DNA position 596, A replaced by G.
Protein change: p.Gln199Arg; replaces glutamine 199 with arginine.
Molecular consequence: missense variant.
Genome position (GRCh38, 1-based): chr1:8,557,450, T>C on the plus strand (A>G on the coding strand, the complement: RERE is on the minus strand). VCF-style: chr1-8557450-T-C. GRCh37 (hg19) VCF-style: chr1-8617509-T-C.
Other names: c.596A>G, p.Gln199Arg (NM_012102.4); short protein forms Q199R.
Identifiers: ClinVar variation 4629037 (VCV004629037.1).

ClinVar aggregate classification (germline): Uncertain significance (1 of 4 stars; one submission).

Conditions:
Inborn genetic diseases. Identifiers: MedGen C0950123, MeSH D030342.

gnomAD v4.1: 1 of 1,612,200 alleles (0.000062%); highest among the groups gnomAD compares: Non-Finnish European, 0.000085%; no homozygotes.

Submission:

Ambry Genetics
Classification: Uncertain significance for Inborn genetic diseases. Last evaluated: 2025-11-13. Review status: criteria provided, single submitter. Criteria: Ambry Variant Classification Scheme 2023. Collection method: clinical testing. Allele origin: germline.
Comment: The c.596A>G (p.Q199R) alteration is located in exon 6 (coding exon 4) of the RERE gene. This alteration results from a A to G substitution at nucleotide position 596, causing the glutamine (Q) at amino acid position 199 to be replaced by an arginine (R). Based on data from gnomAD, the G allele has an overall frequency of 0.003% (1/31406) total alleles studied. The highest observed frequency was 0.012% (1/8716) of African alleles. Based on insufficient or conflicting evidence, the clinical significance of this alteration remains unclear.